The following is an entry in ClinVar:

NM_003482.4(KMT2D):c.14383-8C>T

Gene: KMT2D (lysine methyltransferase 2D; minus strand). Cytogenetic location: 12q13.12.
Variant type: single nucleotide variant.
Coding change: c.14383-8C>T on transcript NM_003482.4 (MANE Select); 8 bases into the intron before coding-DNA position 14383, C replaced by T.
Molecular consequence: intron variant.
Genome position (GRCh38, 1-based): chr12:49,028,149, G>A on the plus strand (C>T on the coding strand, the complement: KMT2D is on the minus strand). VCF-style: chr12-49028149-G-A. GRCh37 (hg19) VCF-style: chr12-49421932-G-A.
Other names: c.14383-8C>T (NM_003482.3).
Identifiers: ClinVar variation 2145677 (VCV002145677.5), dbSNP rs772023281, ClinGen allele CA6545752.
Genomic context (GRCh38, chr12:49,028,149, plus strand): 5'-GGGATCTTCATGCTCAGCAGCTCCGCCACTGCCACCATCACGCCATTCAGGTTCTGCCAG[G>A]GCCAGGGAAGGGATGGAAGAAACATATCAGCCAAGTGTCTGAGGTGAGCTCTACTACCAG-3'

ClinVar aggregate classification (germline): Likely benign. Review status: criteria provided, multiple submitters, no conflicts (2 of 4 stars). 2 submissions from 2 submitters: Likely benign (2). Last evaluated 2025-12-06.

Conditions:
KMT2D-related disorder. Also called: KMT2D-Related Disorders.
Kabuki syndrome. Also called: NIIKAWA-KUROKI SYNDROME; Kabuki make-up syndrome. Identifiers: Orphanet 2322, MedGen C0796004, MONDO:0016512.

Allele frequency attached by ClinVar (database versions not stated): gnomAD exomes below 0.00001; ExAC 0.00001.
gnomAD v4.1: 5 of 1,613,826 alleles (0.00031%); highest among the groups gnomAD compares: South Asian, 0.0022%; no homozygotes.

Submissions (2):

PreventionGenetics, part of Exact Sciences
Classification: Likely benign for KMT2D-related condition. Last evaluated: 2025-12-06. Review status: criteria provided, single submitter. Criteria: ACMG Guidelines, 2015. Collection method: clinical testing. Allele origin: germline.
Comment: This variant is classified as likely benign based on ACMG/AMP sequence variant interpretation guidelines (Richards et al. 2015 PMID: 25741868, with internal and published modifications).

Labcorp Genetics (formerly Invitae), Labcorp
Classification: Likely benign for Kabuki syndrome. Last evaluated: 2024-12-06. Review status: criteria provided, single submitter. Criteria: Invitae Variant Classification Sherloc (09022015). Collection method: clinical testing. Allele origin: germline.